The following is an entry in ClinVar:

NM_013382.7(POMT2):c.169T>G (p.Trp57Gly)

Gene: POMT2 (protein O-mannosyltransferase 2; minus strand). Cytogenetic location: 14q24.3.
Variant type: single nucleotide variant.
Coding change: c.169T>G on transcript NM_013382.7 (MANE Select); coding-DNA position 169, T replaced by G.
Protein change: p.Trp57Gly; replaces tryptophan 57 with glycine.
Molecular consequence: missense variant.
Genome position (GRCh38, 1-based): chr14:77,320,513, A>C on the plus strand (T>G on the coding strand, the complement: POMT2 is on the minus strand). VCF-style: chr14-77320513-A-C. GRCh37 (hg19) VCF-style: chr14-77786856-A-C.
Other names: p.Trp57Gly; c.169T>G (NM_013382.5); short protein forms W57G.
Identifiers: ClinVar variation 596814 (VCV000596814.6), dbSNP rs1566666666, ClinGen allele CA390504523.

ClinVar aggregate classification (germline): Uncertain significance. Review status: criteria provided, multiple submitters, no conflicts (2 of 4 stars). 2 submissions from 2 submitters: Uncertain significance (2). Last evaluated 2023-11-27.

gnomAD v4.1: 1 of 1,551,144 alleles (0.000064%); highest among the groups gnomAD compares: Non-Finnish European, 0.000087%; no homozygotes.

Submissions (2):

Mayo Clinic Laboratories, Mayo Clinic
Classification: Uncertain significance. Last evaluated: 2023-11-27. Review status: criteria provided, single submitter. Criteria: ACMG Guidelines, 2015. Collection method: clinical testing. Allele origin: germline. Observed: 1 variant allele.
Comment: BP4, PM2_moderate

Eurofins Ntd Llc (ga)
Classification: Uncertain significance. Last evaluated: 2018-04-16. Review status: criteria provided, single submitter. Criteria: EGL ClinVar v180209 classification definitions. Collection method: clinical testing. Allele origin: germline. Observed: 1 variant allele, 1 heterozygote.